The following is an entry in ClinVar:

ClinVar aggregate classification (germline): Benign (1 of 4 stars; one submission).

Conditions:
Rhizomelic chondrodysplasia punctata type 3 (RCDP3). Also called: ALKYLDIHYDROXYACETONEPHOSPHATE SYNTHASE DEFICIENCY; Alkylglycerone Phosphate Synthase (AGPS) deficiency. Identifiers: Orphanet 177, Orphanet 309803, MedGen C1838612, MONDO:0010823, OMIM 600121. Disease mechanism: loss of function.

Allele frequency attached by ClinVar (database versions not stated): gnomAD 0.02159 and 0.02220; TOPMed 0.02262; 1000 Genomes Project 0.03335; 1000 Genomes Project 30x 0.03498.

Submission:

Illumina Laboratory Services, Illumina
Classification: Benign for Rhizomelic chondrodysplasia punctata type 3. Last evaluated: 2018-01-13. Review status: criteria provided, single submitter. Criteria: ICSL Variant Classification Criteria 13 December 2019. Collection method: clinical testing. Allele origin: germline.
Comment: This variant was observed in the ICSL laboratory as part of a predisposition screen in an ostensibly healthy population. It had not been previously curated by ICSL or reported in the Human Gene Mutation Database (HGMD: prior to June 1st, 2018), and was therefore a candidate for classification through an automated scoring system. Utilizing variant allele frequency, disease prevalence and penetrance estimates, and inheritance mode, an automated score was calculated to assess if this variant is too frequent to cause the disease. Based on the score and internal cut-off values, a variant classified as benign is not then subjected to further curation. The score for this variant resulted in a classification of benign for this disease.

NM_003659.4(AGPS):c.*2636G>C

Gene: AGPS (alkylglycerone phosphate synthase; plus strand). Cytogenetic location: 2q31.2.
Variant type: single nucleotide variant.
Coding change: c.*2636G>C on transcript NM_003659.4 (MANE Select); 2636 bases downstream of the stop codon, G replaced by C.
Molecular consequence: 3 prime UTR variant.
Genome position (GRCh38, 1-based): chr2:177,540,831, G>C. VCF-style: chr2-177540831-G-C. GRCh37 (hg19) VCF-style: chr2-178405559-G-C.
Identifiers: ClinVar variation 332575 (VCV000332575.5), dbSNP rs77450843, ClinGen allele CA10611527.